The following is an entry in ClinVar:

NM_017617.5(NOTCH1):c.1096A>G (p.Thr366Ala)

Gene: NOTCH1 (notch receptor 1; minus strand). Cytogenetic location: 9q34.3.
Variant type: single nucleotide variant.
Coding change: c.1096A>G on transcript NM_017617.5 (MANE Select); coding-DNA position 1096, A replaced by G.
Protein change: p.Thr366Ala; replaces threonine 366 with alanine.
Molecular consequence: missense variant.
Genome position (GRCh38, 1-based): chr9:136,518,594, T>C on the plus strand (A>G on the coding strand, the complement: NOTCH1 is on the minus strand). VCF-style: chr9-136518594-T-C. GRCh37 (hg19) VCF-style: chr9-139413046-T-C.
Other names: c.1096A>G, p.Thr366Ala (LRG_1122t1); short protein forms T366A.
Identifiers: ClinVar variation 520087 (VCV000520087.5), dbSNP rs1554730065, ClinGen allele CA375565236.

ClinVar aggregate classification (germline): Uncertain significance (1 of 4 stars; one submission).

Conditions:
Familial thoracic aortic aneurysm and aortic dissection (TAAD). Also called: Thoracic aortic aneurysms and dissections. Identifiers: Orphanet 91387, MedGen C4707243, MONDO:0019625.

Allele frequency attached by ClinVar (database versions not stated): TOPMed below 0.00001; gnomAD 0.00001.

Submission:

Ambry Genetics
Classification: Uncertain significance for Familial thoracic aortic aneurysm and aortic dissection. Last evaluated: 2017-09-15. Review status: criteria provided, single submitter. Criteria: Ambry Variant Classification Scheme 2023. Collection method: clinical testing. Allele origin: germline.
Comment: The p.T366A variant (also known as c.1096A>G), located in coding exon 6 of the NOTCH1 gene, results from an A to G substitution at nucleotide position 1096. The threonine at codon 366 is replaced by alanine, an amino acid with similar properties. This amino acid position is highly conserved in available vertebrate species. In addition, the in silico prediction for this alteration is inconclusive. Since supporting evidence is limited at this time, the clinical significance of this alteration remains unclear.